The following is an entry in ClinVar:

ClinVar aggregate classification (germline): Conflicting classifications of pathogenicity. Review status: criteria provided, conflicting classifications (1 of 4 stars). 2 submissions from 2 submitters: Uncertain significance (1); Likely benign (1). Last evaluated 2025-11-18.

Conditions:
Fibrous dysplasia of jaw (CRBM). Also called: Cherubism. Identifiers: Orphanet 184, MedGen C0008029, MONDO:0007315, OMIM 118400.

Allele frequency attached by ClinVar (database versions not stated): gnomAD 0.00002; gnomAD exomes 0.00002 and 0.00003; TOPMed 0.00004; ExAC 0.00004.
gnomAD v4.1: 26 of 1,608,122 alleles (0.0016%); highest among the groups gnomAD compares: South Asian, 0.0044%; no homozygotes.

Submissions (2):

Labcorp Genetics (formerly Invitae), Labcorp
Classification: Uncertain significance for Fibrous dysplasia of jaw. Last evaluated: 2025-11-18. Review status: criteria provided, single submitter. Criteria: Invitae Variant Classification Sherloc (09022015). Collection method: clinical testing. Allele origin: germline.
Comment: This sequence change replaces methionine, which is neutral and non-polar, with threonine, which is neutral and polar, at codon 396 of the SH3BP2 protein (p.Met396Thr). This variant is present in population databases (rs749171361, gnomAD 0.01%). This variant has not been reported in the literature in individuals affected with SH3BP2-related conditions. ClinVar contains an entry for this variant (Variation ID: 454490). Invitae Evidence Modeling of protein sequence and biophysical properties (such as structural, functional, and spatial information, amino acid conservation, physicochemical variation, residue mobility, and thermodynamic stability) indicates that this missense variant is not expected to disrupt SH3BP2 protein function with a negative predictive value of 80%. In summary, the available evidence is currently insufficient to determine the role of this variant in disease. Therefore, it has been classified as a Variant of Uncertain Significance.

Blueprint Genetics
Classification: Likely benign. Last evaluated: 2024-04-09. Review status: criteria provided, single submitter. Criteria: ACMG Guidelines, 2015. Collection method: clinical testing. Allele origin: germline.

NM_001122681.2(SH3BP2):c.1187T>C (p.Met396Thr)

Gene: SH3BP2 (SH3 domain binding protein 2; plus strand). Cytogenetic location: 4p16.3.
Variant type: single nucleotide variant.
Coding change: c.1187T>C on transcript NM_001122681.2 (MANE Select); coding-DNA position 1187, T replaced by C.
Protein change: p.Met396Thr; replaces methionine 396 with threonine.
Molecular consequence: missense variant.
Genome position (GRCh38, 1-based): chr4:2,830,093, T>C. VCF-style: chr4-2830093-T-C. GRCh37 (hg19) VCF-style: chr4-2831820-T-C.
Other names: c.1271T>C, p.Met424Thr (NM_001145855.2, LRG_1334t2); c.1358T>C, p.Met453Thr (NM_001145856.2); c.1187T>C, p.Met396Thr (NM_003023.4, LRG_1334t1); short protein forms M396T, M424T, M453T.
Identifiers: ClinVar variation 454490 (VCV000454490.9), dbSNP rs749171361, ClinGen allele CA2819409.
Genomic context (GRCh38, chr4:2,830,093, plus strand): 5'-TCTTTGTGCCCCCCGTGGCTCCCCGGCCTCCTGCGCTGAAGCTGCCAGTGCCTGAGGCCA[T>C]GGCGCGGCCCGCAGTCCTGCCCAGGCCAGAGAAGCCGCAGCTCCCGCACCTCCAGTGAGT-3'
Protein context (NP_001116153.1, residues 386-406): PALKLPVPEA[Met396Thr]ARPAVLPRPE